The following is an entry in ClinVar:

ClinVar aggregate classification (germline): Uncertain significance (1 of 4 stars; one submission).

Conditions:
Hereditary cancer-predisposing syndrome. Also called: Neoplastic Syndromes, Hereditary; Tumor predisposition; Hereditary Cancer Syndrome; Hereditary neoplastic syndrome. Identifiers: Orphanet 140162, MedGen C0027672, MeSH D009386, MONDO:0015356.

Submission:

Ambry Genetics
Classification: Uncertain significance for Hereditary cancer-predisposing syndrome. Last evaluated: 2026-03-31. Review status: criteria provided, single submitter. Criteria: Ambry Variant Classification Scheme 2023. Collection method: clinical testing. Allele origin: germline.
Comment: The p.L732V variant (also known as c.2194C>G), located in coding exon 14 of the PTCH1 gene, results from a C to G substitution at nucleotide position 2194. The leucine at codon 732 is replaced by valine, an amino acid with highly similar properties. This amino acid position is conserved. In addition, the in silico prediction for this alteration is inconclusive. Based on the available evidence, the clinical significance of this variant remains unclear.

NM_000264.5(PTCH1):c.2194C>G (p.Leu732Val)

Genes: PTCH1 (patched 1; minus strand), LOC100507346 (uncharacterized LOC100507346; plus strand). Cytogenetic location: 9q22.32.
Variant type: single nucleotide variant.
Coding change: c.2194C>G on transcript NM_000264.5 (MANE Select); coding-DNA position 2194, C replaced by G.
Protein change: p.Leu732Val; replaces leucine 732 with valine.
Molecular consequence: missense variant. On other transcripts: non-coding transcript variant (2).
Genome position (GRCh38, 1-based): chr9:95,468,807, G>C on the plus strand (C>G on the coding strand, the complement: PTCH1 is on the minus strand). VCF-style: chr9-95468807-G-C. GRCh37 (hg19) VCF-style: chr9-98231089-G-C.
Other names: c.1996C>G, p.Leu666Val (NM_001083602.3); c.2191C>G, p.Leu731Val (NM_001083603.3); c.1741C>G, p.Leu581Val (NM_001083604.3, NM_001083605.3, NM_001083606.3 and 1 more transcripts); c.2038C>G, p.Leu680Val (NM_001354918.2); short protein forms L581V, L666V, L680V, L731V, L732V.
Identifiers: ClinVar variation 4862655 (VCV004862655.1).